The following is an entry in ClinVar:

ClinVar aggregate classification (germline): Likely benign. Review status: criteria provided, multiple submitters, no conflicts (2 of 4 stars). 2 submissions from 2 submitters: Likely benign (2). Last evaluated 2025-12-01.

Allele frequency attached by ClinVar (database versions not stated): TOPMed 0.00002.
gnomAD v4.1: 24 of 1,557,244 alleles (0.0015%); highest among the groups gnomAD compares: Admixed American, 0.027%; no homozygotes.

Submissions (2):

CeGaT Center for Human Genetics Tuebingen
Classification: Likely benign. Last evaluated: 2025-12-01. Review status: criteria provided, single submitter. Criteria: CeGaT Center For Human Genetics Tuebingen Variant Classification Criteria Version 2. Collection method: clinical testing. Allele origin: germline. Affected: yes. Observed: 1 variant allele.
Comment: CAPN1: BP4, BP7

Labcorp Genetics (formerly Invitae), Labcorp
Classification: Likely benign. Last evaluated: 2024-07-10. Review status: criteria provided, single submitter. Criteria: Invitae Variant Classification Sherloc (09022015). Collection method: clinical testing. Allele origin: germline.

NM_005186.4(CAPN1):c.924C>T (p.Ser308=)

Gene: CAPN1 (calpain 1; plus strand). Cytogenetic location: 11q13.1.
Variant type: single nucleotide variant.
Coding change: c.924C>T on transcript NM_005186.4 (MANE Select); coding-DNA position 924, C replaced by T.
Protein change: p.Ser308=; no amino-acid change (serine 308 retained).
Molecular consequence: synonymous variant. On other transcripts: non-coding transcript variant (1).
Genome position (GRCh38, 1-based): chr11:65,188,035, C>T. VCF-style: chr11-65188035-C-T. GRCh37 (hg19) VCF-style: chr11-64955506-C-T.
Other names: c.924C>T, p.Ser308= (NM_001198868.2, NM_001198869.2); c.762C>T, p.Ser254= (NM_001198870.1).
Identifiers: ClinVar variation 2142333 (VCV002142333.9), dbSNP rs942096405, ClinGen allele CA223931990.